The following is an entry in ClinVar:

NM_015215.4(CAMTA1):c.2124G>A (p.Gly708=)

Gene: CAMTA1 (calmodulin binding transcription activator 1; plus strand). Cytogenetic location: 1p36.23.
Variant type: single nucleotide variant.
Coding change: c.2124G>A on transcript NM_015215.4 (MANE Select); coding-DNA position 2124, G replaced by A.
Protein change: p.Gly708=; no amino-acid change (glycine 708 retained).
Molecular consequence: synonymous variant.
Genome position (GRCh38, 1-based): chr1:7,664,671, G>A. VCF-style: chr1-7664671-G-A. GRCh37 (hg19) VCF-style: chr1-7724731-G-A.
Other names: c.2034G>A, p.Gly678= (NM_001349608.2, NM_001349612.2); c.2124G>A, p.Gly708= (NM_001349609.2, NM_001349610.2, NM_001410737.1); c.2052G>A, p.Gly684= (NM_001410738.1).
Identifiers: ClinVar variation 3250743 (VCV003250743.18), dbSNP rs2523740185.

ClinVar aggregate classification (germline): Likely benign (1 of 4 stars; one submission).

Submission:

CeGaT Center for Human Genetics Tuebingen
Classification: Likely benign. Last evaluated: 2024-06-01. Review status: criteria provided, single submitter. Criteria: CeGaT Center For Human Genetics Tuebingen Variant Classification Criteria Version 2. Collection method: clinical testing. Allele origin: germline. Affected: yes. Observed: 1 variant allele.
Comment: CAMTA1: PM2:Supporting, BP4, BP7